The following is an entry in ClinVar:

NM_001401501.2(MUC16):c.15003T>G (p.Ser5001=)

Gene: MUC16 (mucin 16, cell surface associated; minus strand). Cytogenetic location: 19p13.2.
Variant type: single nucleotide variant.
Coding change: c.15003T>G on transcript NM_001401501.2 (MANE Select); coding-DNA position 15003, T replaced by G.
Protein change: p.Ser5001=; no amino-acid change (serine 5001 retained).
Molecular consequence: synonymous variant.
Genome position (GRCh38, 1-based): chr19:8,961,887, A>C on the plus strand (T>G on the coding strand, the complement: MUC16 is on the minus strand). VCF-style: chr19-8961887-A-C. GRCh37 (hg19) VCF-style: chr19-9072563-A-C.
Other names: c.15429T>G, p.Ser5143= (NM_001414686.1); c.14883T>G, p.Ser4961= (NM_001414687.1, NM_024690.2).
Identifiers: ClinVar variation 2649255 (VCV002649255.24), dbSNP rs775997537, ClinGen allele CA9170497.

ClinVar aggregate classification (germline): Likely benign (1 of 4 stars; one submission).

Allele frequency attached by ClinVar (database versions not stated): gnomAD exomes 0.00001; ExAC 0.00002; TOPMed 0.00003; gnomAD 0.00004.

Submission:

CeGaT Center for Human Genetics Tuebingen
Classification: Likely benign. Last evaluated: 2022-08-01. Review status: criteria provided, single submitter. Criteria: CeGaT Center For Human Genetics Tuebingen Variant Classification Criteria Version 2. Collection method: clinical testing. Allele origin: germline. Affected: yes. Observed: 1 variant allele.
Comment: MUC16: BP4, BP7